The following is an entry in ClinVar:

NM_000384.3(APOB):c.10565A>G (p.Asn3522Ser)

Gene: APOB (apolipoprotein B; minus strand). Cytogenetic location: 2p24.1.
Variant type: single nucleotide variant.
Coding change: c.10565A>G on transcript NM_000384.3 (MANE Select); coding-DNA position 10565, A replaced by G.
Protein change: p.Asn3522Ser; replaces asparagine 3522 with serine.
Molecular consequence: missense variant.
Genome position (GRCh38, 1-based): chr2:21,006,303, T>C on the plus strand (A>G on the coding strand, the complement: APOB is on the minus strand). VCF-style: chr2-21006303-T-C. GRCh37 (hg19) VCF-style: chr2-21229175-T-C.
Other names: short protein forms N3522S.
Identifiers: ClinVar variation 3231356 (VCV003231356.1), dbSNP rs2465359270, ClinGen allele CA345986162.

ClinVar aggregate classification (germline): Uncertain significance (1 of 4 stars; one submission).

Conditions:
Cardiovascular phenotype. Identifiers: MedGen CN230736.

Submission:

Ambry Genetics
Classification: Uncertain significance for Cardiovascular phenotype. Last evaluated: 2023-10-02. Review status: criteria provided, single submitter. Criteria: Ambry Variant Classification Scheme 2023. Collection method: clinical testing. Allele origin: germline.
Comment: The p.N3522S variant (also known as c.10565A>G), located in coding exon 26 of the APOB gene, results from an A to G substitution at nucleotide position 10565. The asparagine at codon 3522 is replaced by serine, an amino acid with highly similar properties. This amino acid position is conserved. In addition, this alteration is predicted to be tolerated by in silico analysis. Since supporting evidence is limited at this time, the clinical significance of this alteration remains unclear.